The following is an entry in ClinVar:

ClinVar aggregate classification (germline): Uncertain significance. Review status: criteria provided, multiple submitters, no conflicts (2 of 4 stars). 3 submissions from 3 submitters: Uncertain significance (3). Last evaluated 2024-03-06.

Conditions:
Hereditary cancer-predisposing syndrome. Also called: Hereditary neoplastic syndrome; Tumor predisposition; Neoplastic Syndromes, Hereditary; Hereditary Cancer Syndrome. Identifiers: Orphanet 140162, MedGen C0027672, MeSH D009386, MONDO:0015356.
Familial cancer of breast. Also called: Hereditary breast cancer; BREAST CANCER, FAMILIAL; hereditary breast carcinoma. Identifiers: Orphanet 227535, MedGen C0346153, MONDO:0016419, OMIM 114480. Disease mechanism: loss of function.

Allele frequency attached by ClinVar (database versions not stated): gnomAD exomes below 0.00001; gnomAD 0.00001; TOPMed 0.00001.
gnomAD v4.1: 3 of 1,613,528 alleles (0.00019%); highest among the groups gnomAD compares: African/African-American, 0.0013%; no homozygotes.

Submissions (3):

Color Diagnostics, LLC DBA Color Health
Classification: Uncertain significance for Hereditary cancer-predisposing syndrome. Last evaluated: 2024-03-06. Review status: criteria provided, single submitter. Criteria: ACMG Guidelines, 2015. Collection method: clinical testing. Allele origin: germline.
Comment: This missense variant replaces arginine with glycine at codon 664 of the BARD1 protein. Computational prediction suggests that this variant may not impact protein structure and function (internally defined REVEL score threshold <= 0.5, PMID: 27666373). To our knowledge, functional studies have not been reported for this variant. This variant has not been reported in individuals affected with hereditary cancer in the literature. This variant has been identified in 1/31398 chromosomes in the general population by the Genome Aggregation Database (gnomAD). The available evidence is insufficient to determine the role of this variant in disease conclusively. Therefore, this variant is classified as a Variant of Uncertain Significance.

Labcorp Genetics (formerly Invitae), Labcorp
Classification: Uncertain significance for Familial cancer of breast. Last evaluated: 2021-11-19. Review status: criteria provided, single submitter. Criteria: Invitae Variant Classification Sherloc (09022015). Collection method: clinical testing. Allele origin: germline.
Comment: ClinVar contains an entry for this variant (Variation ID: 421436). This variant has not been reported in the literature in individuals affected with BARD1-related conditions. This variant is present in population databases (no rsID available, gnomAD 0.007%). This sequence change replaces arginine, which is basic and polar, with glycine, which is neutral and non-polar, at codon 664 of the BARD1 protein (p.Arg664Gly). Algorithms developed to predict the effect of missense changes on protein structure and function are either unavailable or do not agree on the potential impact of this missense change (SIFT: "Deleterious"; PolyPhen-2: "Benign"; Align-GVGD: "Class C45"). In summary, the available evidence is currently insufficient to determine the role of this variant in disease. Therefore, it has been classified as a Variant of Uncertain Significance.

GeneDx
Classification: Uncertain significance. Last evaluated: 2016-06-14. Review status: criteria provided, single submitter. Criteria: GeneDx Variant Classification (06012015). Collection method: clinical testing. Allele origin: germline. Affected: yes.
Comment: This variant is denoted BARD1 c.1990A>G at the cDNA level, p.Arg664Gly (R664G) at the protein level, and results in the change of an Arginine to a Glycine (AGA>GGA). This variant has not, to our knowledge, been published in the literature as pathogenic or benign. BARD1 Arg664Gly was not observed in approximately 6,500 individuals of European and African American ancestry in the NHLBI Exome Sequencing Project, suggesting it is not a common benign variant in these populations. Since Arginine and Glycine differ in polarity, charge, size or other properties, this is considered a non-conservative amino acid substitution. BARD1 Arg664Gly occurs at a position where amino acids with properties similar to Arginine are tolerated across species and is not located in a known functional domain (UniProt). In silico analyses are inconsistent regarding the effect this variant may have on protein structure and function. Based on currently available evidence, it is unclear whether BARD1 Arg664Gly is pathogenic or benign. We consider it to be a variant of uncertain significance.

NM_000465.4(BARD1):c.1990A>G (p.Arg664Gly)

Gene: BARD1 (BRCA1 associated RING domain 1; minus strand). Cytogenetic location: 2q35.
Variant type: single nucleotide variant.
Coding change: c.1990A>G on transcript NM_000465.4 (MANE Select); coding-DNA position 1990, A replaced by G.
Protein change: p.Arg664Gly; replaces arginine 664 with glycine.
Molecular consequence: missense variant. On other transcripts: non-coding transcript variant (3).
Genome position (GRCh38, 1-based): chr2:214,730,422, T>C on the plus strand (A>G on the coding strand, the complement: BARD1 is on the minus strand). VCF-style: chr2-214730422-T-C. GRCh37 (hg19) VCF-style: chr2-215595146-T-C.
Other names: c.1933A>G, p.Arg645Gly (NM_001282543.2); c.637A>G, p.Arg213Gly (NM_001282545.2); c.580A>G, p.Arg194Gly (NM_001282548.2); c.451A>G, p.Arg151Gly (NM_001282549.2); short protein forms R664G, R213G, R151G, R645G, R194G.
Identifiers: ClinVar variation 421436 (VCV000421436.15), dbSNP rs1064795138, ClinGen allele CA16617430.